The following is an entry in ClinVar:

ClinVar aggregate classification (germline): Uncertain significance (1 of 4 stars; one submission).

Submission:

CeGaT Center for Human Genetics Tuebingen
Classification: Uncertain significance. Last evaluated: 2023-07-01. Review status: criteria provided, single submitter. Criteria: CeGaT Center For Human Genetics Tuebingen Variant Classification Criteria Version 2. Collection method: clinical testing. Allele origin: germline. Affected: yes. Observed: 1 variant allele.
Comment: CHD7: PM2, PP3

NM_017780.4(CHD7):c.4844T>A (p.Val1615Asp)

Gene: CHD7 (chromodomain helicase DNA binding protein 7; plus strand). Cytogenetic location: 8q12.2.
Variant type: single nucleotide variant.
Coding change: c.4844T>A on transcript NM_017780.4 (MANE Select); coding-DNA position 4844, T replaced by A.
Protein change: p.Val1615Asp; replaces valine 1615 with aspartic acid.
Molecular consequence: missense variant. On other transcripts: intron variant (1).
Genome position (GRCh38, 1-based): chr8:60,842,046, T>A. VCF-style: chr8-60842046-T-A. GRCh37 (hg19) VCF-style: chr8-61754605-T-A.
Other names: c.1717-20183T>A (NM_001316690.1); short protein forms V1615D.
Identifiers: ClinVar variation 2658622 (VCV002658622.24), dbSNP rs2487948547, ClinGen allele CA371319697.
Genomic context (GRCh38, chr8:60,842,046, plus strand): 5'-AGGATAAGTCACAGGGCTATGCAAGGAGTGAATGTTTCAGGGTGGAGAAGAATCTGCTTG[T>A]CTATGGGTAAGTAGGACTCACTACGTAAGATAGAATTTTATTGTAACAGTAGTTAGAATT-3'
Protein context (NP_060250.2, residues 1605-1625): ECFRVEKNLL[Val1615Asp]YGWGRWTDIL